The following is an entry in ClinVar:

NM_016008.4(DYNC2LI1):c.732-5C>T

Gene: DYNC2LI1 (dynein cytoplasmic 2 light intermediate chain 1; plus strand). Cytogenetic location: 2p21.
Variant type: single nucleotide variant.
Coding change: c.732-5C>T on transcript NM_016008.4 (MANE Select); 5 bases into the intron before coding-DNA position 732, C replaced by T.
Molecular consequence: intron variant.
Genome position (GRCh38, 1-based): chr2:43,801,634, C>T. VCF-style: chr2-43801634-C-T. GRCh37 (hg19) VCF-style: chr2-44028773-C-T.
Other names: c.735-5C>T (NM_001348913.2, NM_001193464.2); c.732-5C>T (NM_001348912.2, NM_016008.3).
Identifiers: ClinVar variation 1267824 (VCV001267824.13), dbSNP rs17495522, ClinGen allele CA1636002.

ClinVar aggregate classification (germline): Benign. Review status: criteria provided, multiple submitters, no conflicts (2 of 4 stars). 3 submissions from 3 submitters: Benign (2). 1 of the submissions does not count toward it. Last evaluated 2026-01-27.

Conditions:
DYNC2LI1-related disorder. Also called: DYNC2LI1-related condition.

Allele frequency attached by ClinVar (database versions not stated): 1000 Genomes Project 0.00958; 1000 Genomes Project 30x 0.00968; TOPMed 0.01486; ESP Exome Variant Server 0.01791; ExAC 0.01907; gnomAD exomes 0.02006.
gnomAD v4.1: 37,345 of 1,603,140 alleles (2.3%); highest among the groups gnomAD compares: Non-Finnish European, 2.6%; 604 homozygotes.

Submissions 1 to 32 of 65:

Labcorp Genetics (formerly Invitae), Labcorp
Classification: Benign. Last evaluated: 2026-01-27. Review status: criteria provided, single submitter. Criteria: Invitae Variant Classification Sherloc (09022015). Collection method: clinical testing. Allele origin: germline.

GeneDx
Classification: Benign. Last evaluated: 2021-05-05. Review status: criteria provided, single submitter. Criteria: GeneDx Variant Classification Process June 2021. Collection method: clinical testing. Allele origin: germline. Affected: yes.

PreventionGenetics, part of Exact Sciences
Classification: Benign for DYNC2LI1-related condition. Last evaluated: 2020-01-16. Review status: no assertion criteria provided. Collection method: clinical testing. Allele origin: germline. Not counted in ClinVar's aggregate classification.
Comment: This variant is classified as benign based on ACMG/AMP sequence variant interpretation guidelines (Richards et al. 2015 PMID: 25741868, with internal and published modifications).

Dr. Peter K. Rogan Lab, Western University
No classification provided (evidence only). Condition: Clear cell carcinoma of kidney. Review status: no classification provided. Collection method: in vitro. Allele origin: not applicable. Functional consequence: retained intron. Not counted in ClinVar's aggregate classification.

Dr. Peter K. Rogan Lab, Western University
No classification provided (evidence only). Condition: Clear cell carcinoma of kidney. Review status: no classification provided. Collection method: in vitro. Allele origin: not applicable. Functional consequence: retained intron. Not counted in ClinVar's aggregate classification.

Dr. Peter K. Rogan Lab, Western University
No classification provided (evidence only). Condition: Clear cell carcinoma of kidney. Review status: no classification provided. Collection method: in vitro. Allele origin: not applicable. Functional consequence: retained intron. Not counted in ClinVar's aggregate classification.

Dr. Peter K. Rogan Lab, Western University
No classification provided (evidence only). Condition: Clear cell carcinoma of kidney. Review status: no classification provided. Collection method: in vitro. Allele origin: not applicable. Functional consequence: retained intron. Not counted in ClinVar's aggregate classification.

Dr. Peter K. Rogan Lab, Western University
No classification provided (evidence only). Condition: Clear cell carcinoma of kidney. Review status: no classification provided. Collection method: in vitro. Allele origin: not applicable. Functional consequence: retained intron. Not counted in ClinVar's aggregate classification.

Dr. Peter K. Rogan Lab, Western University
No classification provided (evidence only). Condition: Clear cell carcinoma of kidney. Review status: no classification provided. Collection method: in vitro. Allele origin: not applicable. Functional consequence: retained intron. Not counted in ClinVar's aggregate classification.

Dr. Peter K. Rogan Lab, Western University
No classification provided (evidence only). Condition: Clear cell carcinoma of kidney. Review status: no classification provided. Collection method: in vitro. Allele origin: not applicable. Functional consequence: retained intron. Not counted in ClinVar's aggregate classification.

Dr. Peter K. Rogan Lab, Western University
No classification provided (evidence only). Condition: Clear cell carcinoma of kidney. Review status: no classification provided. Collection method: in vitro. Allele origin: not applicable. Functional consequence: retained intron. Not counted in ClinVar's aggregate classification.

Dr. Peter K. Rogan Lab, Western University
No classification provided (evidence only). Condition: Clear cell carcinoma of kidney. Review status: no classification provided. Collection method: in vitro. Allele origin: not applicable. Functional consequence: retained intron. Not counted in ClinVar's aggregate classification.

Dr. Peter K. Rogan Lab, Western University
No classification provided (evidence only). Condition: Clear cell carcinoma of kidney. Review status: no classification provided. Collection method: in vitro. Allele origin: not applicable. Functional consequence: retained intron. Not counted in ClinVar's aggregate classification.

Dr. Peter K. Rogan Lab, Western University
No classification provided (evidence only). Condition: Clear cell carcinoma of kidney. Review status: no classification provided. Collection method: in vitro. Allele origin: not applicable. Functional consequence: retained intron. Not counted in ClinVar's aggregate classification.

Dr. Peter K. Rogan Lab, Western University
No classification provided (evidence only). Condition: Clear cell carcinoma of kidney. Review status: no classification provided. Collection method: in vitro. Allele origin: not applicable. Functional consequence: retained intron. Not counted in ClinVar's aggregate classification.

Dr. Peter K. Rogan Lab, Western University
No classification provided (evidence only). Condition: Lung cancer. Review status: no classification provided. Collection method: in vitro. Allele origin: not applicable. Functional consequence: retained intron. Not counted in ClinVar's aggregate classification.

Dr. Peter K. Rogan Lab, Western University
No classification provided (evidence only). Condition: Lung cancer. Review status: no classification provided. Collection method: in vitro. Allele origin: not applicable. Functional consequence: retained intron. Not counted in ClinVar's aggregate classification.

Dr. Peter K. Rogan Lab, Western University
No classification provided (evidence only). Condition: Lung cancer. Review status: no classification provided. Collection method: in vitro. Allele origin: not applicable. Functional consequence: retained intron. Not counted in ClinVar's aggregate classification.

Dr. Peter K. Rogan Lab, Western University
No classification provided (evidence only). Condition: Lung cancer. Review status: no classification provided. Collection method: in vitro. Allele origin: not applicable. Functional consequence: retained intron. Not counted in ClinVar's aggregate classification.

Dr. Peter K. Rogan Lab, Western University
No classification provided (evidence only). Condition: Lung cancer. Review status: no classification provided. Collection method: in vitro. Allele origin: not applicable. Functional consequence: retained intron. Not counted in ClinVar's aggregate classification.

Dr. Peter K. Rogan Lab, Western University
No classification provided (evidence only). Condition: Lung cancer. Review status: no classification provided. Collection method: in vitro. Allele origin: not applicable. Functional consequence: retained intron. Not counted in ClinVar's aggregate classification.

Dr. Peter K. Rogan Lab, Western University
No classification provided (evidence only). Condition: Lung cancer. Review status: no classification provided. Collection method: in vitro. Allele origin: not applicable. Functional consequence: retained intron. Not counted in ClinVar's aggregate classification.

Dr. Peter K. Rogan Lab, Western University
No classification provided (evidence only). Condition: Lung cancer. Review status: no classification provided. Collection method: in vitro. Allele origin: not applicable. Functional consequence: retained intron. Not counted in ClinVar's aggregate classification.

Dr. Peter K. Rogan Lab, Western University
No classification provided (evidence only). Condition: Acute myeloid leukemia. Review status: no classification provided. Collection method: in vitro. Allele origin: not applicable. Functional consequence: retained intron. Not counted in ClinVar's aggregate classification.

Dr. Peter K. Rogan Lab, Western University
No classification provided (evidence only). Condition: Acute myeloid leukemia. Review status: no classification provided. Collection method: in vitro. Allele origin: not applicable. Functional consequence: retained intron. Not counted in ClinVar's aggregate classification.

Dr. Peter K. Rogan Lab, Western University
No classification provided (evidence only). Condition: Acute myeloid leukemia. Review status: no classification provided. Collection method: in vitro. Allele origin: not applicable. Functional consequence: retained intron. Not counted in ClinVar's aggregate classification.

Dr. Peter K. Rogan Lab, Western University
No classification provided (evidence only). Condition: Colon adenocarcinoma. Review status: no classification provided. Collection method: in vitro. Allele origin: not applicable. Functional consequence: retained intron. Not counted in ClinVar's aggregate classification.

Dr. Peter K. Rogan Lab, Western University
No classification provided (evidence only). Condition: Colon adenocarcinoma. Review status: no classification provided. Collection method: in vitro. Allele origin: not applicable. Functional consequence: retained intron. Not counted in ClinVar's aggregate classification.

Dr. Peter K. Rogan Lab, Western University
No classification provided (evidence only). Condition: Colon adenocarcinoma. Review status: no classification provided. Collection method: in vitro. Allele origin: not applicable. Functional consequence: retained intron. Not counted in ClinVar's aggregate classification.

Dr. Peter K. Rogan Lab, Western University
No classification provided (evidence only). Condition: Colorectal cancer. Review status: no classification provided. Collection method: in vitro. Allele origin: not applicable. Functional consequence: retained intron. Not counted in ClinVar's aggregate classification.

Dr. Peter K. Rogan Lab, Western University
No classification provided (evidence only). Condition: Colorectal cancer. Review status: no classification provided. Collection method: in vitro. Allele origin: not applicable. Functional consequence: retained intron. Not counted in ClinVar's aggregate classification.

Dr. Peter K. Rogan Lab, Western University
No classification provided (evidence only). Condition: Uterine corpus endometrial carcinoma. Review status: no classification provided. Collection method: in vitro. Allele origin: not applicable. Functional consequence: retained intron. Not counted in ClinVar's aggregate classification.